The following is an entry in ClinVar:

ClinVar aggregate classification (germline): Uncertain significance. Review status: criteria provided, multiple submitters, no conflicts (2 of 4 stars). 3 submissions from 3 submitters: Uncertain significance (3). Last evaluated 2025-07-28.

Conditions:
Malignant hyperthermia, susceptibility to, 1 (MHS1). Also called: RYR1-Related Malignant Hyperthermia Susceptibility; Malignant hyperthermia suceptibility 1; Anesthesia related hyperthermia; Malignant hyperpyrexia; Fulminating hyperpyrexia; Pharmacogenic myopathy. Identifiers: Orphanet 423, MedGen C2930980, MONDO:0007783, OMIM 145600.

Submissions (3):

GeneDx
Classification: Uncertain significance. Last evaluated: 2025-07-28. Review status: criteria provided, single submitter. Criteria: GeneDx Variant Classification Process June 2021. Collection method: clinical testing. Allele origin: germline. Affected: yes.
Comment: Not observed at significant frequency in large population cohorts (gnomAD); In silico analysis suggests that this missense variant does not alter protein structure/function; Has not been previously published as pathogenic or benign to our knowledge

Color Diagnostics, LLC DBA Color Health
Classification: Uncertain significance for Malignant hyperthermia, susceptibility to, 1. Last evaluated: 2025-07-17. Review status: criteria provided, single submitter. Criteria: ACMG Guidelines, 2015. Collection method: clinical testing. Allele origin: germline.
Comment: This missense variant replaces glutamic acid with lysine at codon 3740 of the RYR1 protein. Computational prediction is inconclusive regarding the impact of this variant on protein structure and function. To our knowledge, functional studies have not been reported for this variant. This variant has not been reported in individuals affected with RYR1-related disorders in the literature. This variant has been identified in 1/251378 chromosomes in the general population by the Genome Aggregation Database (gnomAD). The available evidence is insufficient to determine the role of this variant in disease conclusively. Therefore, this variant is classified as a Variant of Uncertain Significance.

Revvity Omics, Revvity
Classification: Uncertain significance. Last evaluated: 2024-11-17. Review status: criteria provided, single submitter. Criteria: ACMG Guidelines, 2015. Collection method: clinical testing. Allele origin: germline.

NM_000540.3(RYR1):c.11218G>A (p.Glu3740Lys)

Gene: RYR1 (ryanodine receptor 1; plus strand). Cytogenetic location: 19q13.2.
Variant type: single nucleotide variant.
Coding change: c.11218G>A on transcript NM_000540.3 (MANE Select); coding-DNA position 11218, G replaced by A.
Protein change: p.Glu3740Lys; replaces glutamic acid 3740 with lysine.
Molecular consequence: missense variant.
Genome position (GRCh38, 1-based): chr19:38,532,695, G>A. VCF-style: chr19-38532695-G-A. GRCh37 (hg19) VCF-style: chr19-39023335-G-A.
Other names: c.11203G>A, p.Glu3735Lys (NM_001042723.2); short protein forms E3735K, E3740K.
Identifiers: ClinVar variation 4079915 (VCV004079915.3).
Genomic context (GRCh38, chr19:38,532,695, plus strand): 5'-GCTTTGTTCATCCCTTAACTGATGCCCCCTCCCCAGAGCTGCCACCTGGAGGAGGGAGGG[G>A]AGAACGGTGAAGCTGAAGAGGAGGTTGAGGTCTCCTTTGAGGTAGGTGGGCTCAGGAGGT-3'
Protein context (NP_000531.2, residues 3730-3750): AKSCHLEEGG[Glu3740Lys]NGEAEEEVEV